The following is an entry in ClinVar:

NM_015164.4(PLEKHM2):c.2428C>T (p.Arg810Cys)

Gene: PLEKHM2 (pleckstrin homology and RUN domain containing M2; plus strand). Cytogenetic location: 1p36.21.
Variant type: single nucleotide variant.
Coding change: c.2428C>T on transcript NM_015164.4 (MANE Select); coding-DNA position 2428, C replaced by T.
Protein change: p.Arg810Cys; replaces arginine 810 with cysteine.
Molecular consequence: missense variant.
Genome position (GRCh38, 1-based): chr1:15,731,220, C>T. VCF-style: chr1-15731220-C-T. GRCh37 (hg19) VCF-style: chr1-16057715-C-T.
Other names: short protein forms R810C.
Identifiers: ClinVar variation 1486513 (VCV001486513.8), dbSNP rs761692683, ClinGen allele CA617243.
Genomic context (GRCh38, chr1:15,731,220, plus strand): 5'-GGCCTCACTCGCCCTGTGTTGTGCCCCTGCAGCAACGGGATCCTCTACCAGTACCCGGAC[C>T]GCACCGACGTCATCCCTCTGCTCTCGGTGAACATGGGGTAAGTGTCCCGGGAGAAGCGGG-3'
Protein context (NP_055979.2, residues 800-820): SNGILYQYPD[Arg810Cys]TDVIPLLSVN

ClinVar aggregate classification (germline): Uncertain significance (1 of 4 stars; one submission).

Allele frequency attached by ClinVar (database versions not stated): gnomAD exomes 0.00001; TOPMed 0.00001; ExAC 0.00002.
gnomAD v4.1: 18 of 1,598,766 alleles (0.0011%); highest among the groups gnomAD compares: East Asian, 0.0023%; no homozygotes.

Submission:

Labcorp Genetics (formerly Invitae), Labcorp
Classification: Uncertain significance. Last evaluated: 2022-07-19. Review status: criteria provided, single submitter. Criteria: Invitae Variant Classification Sherloc (09022015). Collection method: clinical testing. Allele origin: germline.
Comment: Algorithms developed to predict the effect of missense changes on protein structure and function are either unavailable or do not agree on the potential impact of this missense change (SIFT: "Deleterious"; PolyPhen-2: "Benign"; Align-GVGD: "Class C0"). In summary, the available evidence is currently insufficient to determine the role of this variant in disease. Therefore, it has been classified as a Variant of Uncertain Significance. ClinVar contains an entry for this variant (Variation ID: 1486513). This variant has not been reported in the literature in individuals affected with PLEKHM2-related conditions. The frequency data for this variant in the population databases is considered unreliable, as metrics indicate poor data quality at this position in the gnomAD database. This sequence change replaces arginine, which is basic and polar, with cysteine, which is neutral and slightly polar, at codon 810 of the PLEKHM2 protein (p.Arg810Cys).